The following is an entry in ClinVar:

NM_003334.4(UBA1):c.1938+60G>A

Gene: UBA1 (ubiquitin like modifier activating enzyme 1; plus strand). Cytogenetic location: Xp11.3.
Variant type: single nucleotide variant.
Coding change: c.1938+60G>A on transcript NM_003334.4 (MANE Select); 60 bases into the intron after coding-DNA position 1938, G replaced by A.
Molecular consequence: intron variant.
Genome position (GRCh38, 1-based): chrX:47,206,504, G>A. VCF-style: chrX-47206504-G-A. GRCh37 (hg19) VCF-style: chrX-47065903-G-A.
Other names: c.1938+60G>A (NM_153280.3).
Identifiers: ClinVar variation 674444 (VCV000674444.2), dbSNP rs5953011, ClinGen allele CA329037570.

ClinVar aggregate classification (germline): Benign. Review status: criteria provided, multiple submitters, no conflicts (2 of 4 stars). 2 submissions from 2 submitters: Benign (2). Last evaluated 2018-06-18.

Allele frequency attached by ClinVar (database versions not stated): gnomAD exomes 0.00851; gnomAD 0.08237 and 0.08753; TOPMed 0.09372; 1000 Genomes Project 0.09589; 1000 Genomes Project 30x 0.09802.
gnomAD v4.1: 18,377 of 1,121,263 alleles (1.6%); highest among the groups gnomAD compares: African/African-American, 28%; 1,747 homozygotes.

Submissions (2):

GeneDx
Classification: Benign. Last evaluated: 2018-06-18. Review status: criteria provided, single submitter. Criteria: GeneDx Variant Classification (06012015). Collection method: clinical testing. Allele origin: germline. Affected: yes.
Comment: This variant is considered likely benign or benign based on one or more of the following criteria: it is a conservative change, it occurs at a poorly conserved position in the protein, it is predicted to be benign by multiple in silico algorithms, and/or has population frequency not consistent with disease.

Breakthrough Genomics
Classification: Benign. Review status: criteria provided, single submitter. Criteria: ACMG Guidelines, 2015. Collection method: not provided. Allele origin: germline. Inheritance: Other. Affected: yes.